The following is an entry in ClinVar:

ClinVar aggregate classification (germline): Uncertain significance (1 of 4 stars; one submission).

gnomAD v4.1: 1 of 1,612,662 alleles (0.000062%); highest among the groups gnomAD compares: African/African-American, 0.0013%; no homozygotes.

Submission:

Greenwood Genetic Center Diagnostic Laboratories, Greenwood Genetic Center
Classification: Uncertain significance. Last evaluated: 2024-07-11. Review status: criteria provided, single submitter. Criteria: ACMG Guidelines, 2015. Collection method: clinical testing. Allele origin: germline. Affected: yes.
Comment: PM2

NM_020791.4(TAOK1):c.2940G>A (p.Gln980=)

Gene: TAOK1 (TAO kinase 1; plus strand). Cytogenetic location: 17q11.2.
Variant type: single nucleotide variant.
Coding change: c.2940G>A on transcript NM_020791.4 (MANE Select); coding-DNA position 2940, G replaced by A.
Protein change: p.Gln980=; no amino-acid change (glutamine 980 retained).
Molecular consequence: synonymous variant.
Genome position (GRCh38, 1-based): chr17:29,542,956, G>A. VCF-style: chr17-29542956-G-A. GRCh37 (hg19) VCF-style: chr17-27869974-G-A.
Other names: c.2496G>A, p.Gln832= (NM_025142.1).
Identifiers: ClinVar variation 3765756 (VCV003765756.1).